The following is an entry in ClinVar:

NM_016151.4(TAOK2):c.3547T>C (p.Trp1183Arg)

Gene: TAOK2 (TAO kinase 2; plus strand). Cytogenetic location: 16p11.2.
Variant type: single nucleotide variant.
Coding change: c.3547T>C on transcript NM_016151.4 (MANE Select); coding-DNA position 3547, T replaced by C.
Protein change: p.Trp1183Arg; replaces tryptophan 1183 with arginine.
Molecular consequence: missense variant. On other transcripts: intron variant (1).
Genome position (GRCh38, 1-based): chr16:29,987,819, T>C. VCF-style: chr16-29987819-T-C. GRCh37 (hg19) VCF-style: chr16-29999140-T-C.
Other names: c.3208T>C, p.Trp1070Arg (NM_001252043.2); c.2232+1315T>C (NM_004783.4); short protein forms W1070R, W1183R.
Identifiers: ClinVar variation 3686200 (VCV003686200.2).
Genomic context (GRCh38, chr16:29,987,819, plus strand): 5'-CGGGCCAGCCAGGGTTTAGCATCCCACTTGCCCCCGTGGGCCATCCACACACTGGCCAGC[T>C]GGGGCCTGCTTCGGGGTGAACGGCCCACCCGAATCCCCCGGCTACTACCACGCAGCCAGC-3'
Protein context (NP_057235.2, residues 1173-1193): PPWAIHTLAS[Trp1183Arg]GLLRGERPTR

ClinVar aggregate classification (germline): Uncertain significance (1 of 4 stars; one submission).

Submission:

Labcorp Genetics (formerly Invitae), Labcorp
Classification: Uncertain significance. Last evaluated: 2024-03-03. Review status: criteria provided, single submitter. Criteria: Invitae Variant Classification Sherloc (09022015). Collection method: clinical testing. Allele origin: germline.
Comment: This sequence change replaces tryptophan, which is neutral and slightly polar, with arginine, which is basic and polar, at codon 1183 of the TAOK2 protein (p.Trp1183Arg). This variant is not present in population databases (gnomAD no frequency). This variant has not been reported in the literature in individuals affected with TAOK2-related conditions. An algorithm developed to predict the effect of missense changes on protein structure and function (PolyPhen-2) suggests that this variant is likely to be disruptive. In summary, the available evidence is currently insufficient to determine the role of this variant in disease. Therefore, it has been classified as a Variant of Uncertain Significance.